The following is an entry in ClinVar:

ClinVar aggregate classification (germline): Pathogenic/Likely pathogenic. Review status: criteria provided, multiple submitters, no conflicts (2 of 4 stars). 3 submissions from 3 submitters: Pathogenic (2); Likely pathogenic (1). Last evaluated 2025-11-15.

Conditions:
TTLL5-related disorder. Also called: TTLL5-related condition.

Allele frequency attached by ClinVar (database versions not stated): gnomAD exomes 0.00001 and 0.00003; ExAC 0.00002; gnomAD 0.00012 and 0.00011; TOPMed 0.00015; ESP Exome Variant Server 0.00008.
gnomAD v4.1: 33 of 1,614,052 alleles (0.002%); highest among the groups gnomAD compares: African/African-American, 0.036%; no homozygotes.

Submissions (3):

Labcorp Genetics (formerly Invitae), Labcorp
Classification: Pathogenic. Last evaluated: 2025-11-15. Review status: criteria provided, single submitter. Criteria: Invitae Variant Classification Sherloc (09022015). Collection method: clinical testing. Allele origin: germline.
Comment: This sequence change creates a premature translational stop signal (p.Trp640*) in the TTLL5 gene. It is expected to result in an absent or disrupted protein product. Loss-of-function variants in TTLL5 are known to be pathogenic (PMID: 24791901, 27162334). This variant is present in population databases (rs367693933, gnomAD 0.05%). This variant has not been reported in the literature in individuals affected with TTLL5-related conditions. ClinVar contains an entry for this variant (Variation ID: 967752). For these reasons, this variant has been classified as Pathogenic.

PreventionGenetics, part of Exact Sciences
Classification: Likely pathogenic for TTLL5-related condition. Last evaluated: 2025-11-13. Review status: criteria provided, single submitter. Criteria: ACMG Guidelines, 2015. Collection method: clinical testing. Allele origin: germline.
Comment: The TTLL5 c.1920G>A variant is predicted to result in premature protein termination (p.Trp640*). This variant has been reported in the homozygous state in an individual with cone-rod dystrophy (Table 2 and Supplemental Figure S1, Smirnov et al. 2021. PubMed ID: 34203883) and has been reported as likely pathogenic in another individual from a study evaluating the carrier frequency of autosomal recessive inherited retinal diseases (Table S3, Hanany et al. 2020. PubMed ID: 31964843). This variant is reported in 0.044% of alleles in individuals of African descent in gnomAD. Nonsense variants in TTLL5 are expected to be pathogenic. This variant is interpreted as likely pathogenic.

Blueprint Genetics
Classification: Pathogenic for TTLL5-related disorders. Last evaluated: 2024-01-09. Review status: criteria provided, single submitter. Criteria: ACMG Guidelines, 2015. Collection method: clinical testing. Allele origin: germline. Affected: yes. Observed: 5 variant alleles.

Literature cited by the submitters: PubMed 24791901 (cited by Labcorp Genetics (formerly Invitae), Labcorp); PubMed 27162334 (cited by Labcorp Genetics (formerly Invitae), Labcorp).

NM_015072.5(TTLL5):c.1920G>A (p.Trp640Ter)

Gene: TTLL5 (tubulin tyrosine ligase like 5; plus strand). Cytogenetic location: 14q24.3.
Variant type: single nucleotide variant.
Coding change: c.1920G>A on transcript NM_015072.5 (MANE Select); coding-DNA position 1920, G replaced by A.
Protein change: p.Trp640Ter; replaces tryptophan 640 with a stop codon.
Molecular consequence: nonsense.
Genome position (GRCh38, 1-based): chr14:75,766,273, G>A. VCF-style: chr14-75766273-G-A. GRCh37 (hg19) VCF-style: chr14-76232616-G-A.
Other names: short protein forms W640*.
Identifiers: ClinVar variation 967752 (VCV000967752.12), dbSNP rs367693933, ClinGen allele CA7279555.